The following is an entry in ClinVar:

NM_002373.6(MAP1A):c.4670del (p.Ala1557fs)

Gene: MAP1A (microtubule associated protein 1A; plus strand). Cytogenetic location: 15q15.3.
Variant type: Deletion.
Coding change: c.4670del on transcript NM_002373.6 (MANE Select); coding-DNA position 4670, one base deleted (C; older notation c.4670delC).
Protein change: p.Ala1557fs; shifts the reading frame from alanine 1557.
Molecular consequence: frameshift variant.
Genome position (GRCh38, 1-based): chr15:43,526,143, C deleted. VCF-style (leftmost placement, unchanged base first): chr15-43526142-GC-G. GRCh37 (hg19) VCF-style: chr15-43818340-GC-G.
Other names: c.5384del, p.Ala1795fs (NM_001411089.1); short protein forms A1795fs, A1557fs.
Identifiers: ClinVar variation 4985790 (VCV004985790.1).
Genomic context (GRCh38, chr15:43,526,142, plus strand): 5'-CAGGAACAAAAGGATAAAGTCTCAGAAAAGAAGGATCAGGCCTTAGAACAAAAATACTGG[GC>G]TTTGGGACAGAAGGATGAAGCCCTGGAACAAAACATTCAGGCTCTGGAAGAGAACCACCA-3'

ClinVar aggregate classification (germline): Uncertain significance (1 of 4 stars; one submission).

Conditions:
MAP1A-related disorder. Also called: MAP1A-related condition.

Submission:

PreventionGenetics, part of Exact Sciences
Classification: Uncertain significance for MAP1A-related condition. Last evaluated: 2026-02-19. Review status: criteria provided, single submitter. Criteria: ACMG Guidelines, 2015. Collection method: clinical testing. Allele origin: germline.
Comment: The MAP1A c.4670delC variant is predicted to result in a frameshift and premature protein termination (p.Ala1557Valfs*28). To our knowledge, this variant has not been reported in the literature or in a large population database (gnomAD), indicating this variant is rare. At this time, the clinical significance of this variant is uncertain due to the absence of conclusive functional and genetic evidence.